The following is an entry in ClinVar:

NM_000214.3(JAG1):c.2717_2725dup (p.His908_Ser909insLysGlyHis)

Gene: JAG1 (jagged canonical Notch ligand 1; minus strand). Cytogenetic location: 20p12.2.
Variant type: Duplication.
Coding change: c.2717_2725dup on transcript NM_000214.3 (MANE Select); coding-DNA positions 2717 to 2725, 9 bases duplicated (AAGGGCACA; older notation c.2717_2725dupAAGGGCACA).
Protein change: p.His908_Ser909insLysGlyHis.
Molecular consequence: inframe insertion.
Genome position (GRCh38, 1-based): chr20:10,641,651-10,641,659, TGTGCCCTT duplicated on the plus strand (AAGGGCACA on the coding strand, the reverse complement: JAG1 is on the minus strand); duplicating any 9 consecutive bases within chr20:10,641,651-10,641,663 gives the same sequence; the c. name uses the placement nearest the transcript's 3' end. VCF-style (leftmost placement, unchanged base first): chr20-10641650-C-CTGTGCCCTT. GRCh37 (hg19) VCF-style: chr20-10622298-C-CTGTGCCCTT.
Identifiers: ClinVar variation 2798585 (VCV002798585.3), dbSNP rs2514509294, ClinGen allele CA2739277054.
Genomic context (GRCh38, chr20:10,641,650, plus strand): 5'-GGGTGGACGAAGCACTGGTCGTCCAGGATGGGGATGCAGCTCTGCCCGCTGGGGCACTCG[C>CTGTGCCCTT]TGTGCCCTTTGTGGAGCAGGCAAGGTCGAGGGCCACACCAGACCTGGAGAAAAACAGAAG-3'

ClinVar aggregate classification (germline): Uncertain significance (1 of 4 stars; one submission).

Conditions:
Alagille syndrome due to a JAG1 point mutation. Also called: Alagille Syndrome 1; JAG1-Related Alagille Syndrome; HEPATIC DUCTULAR HYPOPLASIA, SYNDROMATIC. Identifiers: Orphanet 261619, Orphanet 52, MedGen C1956125, MONDO:0016862, OMIM 118450.

Submission:

Labcorp Genetics (formerly Invitae), Labcorp
Classification: Uncertain significance for Alagille syndrome due to a JAG1 point mutation. Last evaluated: 2023-06-04. Review status: criteria provided, single submitter. Criteria: Invitae Variant Classification Sherloc (09022015). Collection method: clinical testing. Allele origin: germline.
Comment: In summary, the available evidence is currently insufficient to determine the role of this variant in disease. Therefore, it has been classified as a Variant of Uncertain Significance. This variant has not been reported in the literature in individuals affected with JAG1-related conditions. This variant is not present in population databases (gnomAD no frequency). This variant, c.2717_2725dup, results in the insertion of 3 amino acid(s) of the JAG1 protein (p.Lys906_His908dup), but otherwise preserves the integrity of the reading frame.